The following is an entry in ClinVar:

NM_014795.4(ZEB2):c.2512A>G (p.Lys838Glu)

Gene: ZEB2 (zinc finger E-box binding homeobox 2; minus strand). Cytogenetic location: 2q22.3.
Variant type: single nucleotide variant.
Coding change: c.2512A>G on transcript NM_014795.4 (MANE Select); coding-DNA position 2512, A replaced by G.
Protein change: p.Lys838Glu; replaces lysine 838 with glutamic acid.
Molecular consequence: missense variant.
Genome position (GRCh38, 1-based): chr2:144,398,675, T>C on the plus strand (A>G on the coding strand, the complement: ZEB2 is on the minus strand). VCF-style: chr2-144398675-T-C. GRCh37 (hg19) VCF-style: chr2-145156242-T-C.
Other names: c.2440A>G, p.Lys814Glu (NM_001171653.2); short protein forms K814E, K838E.
Identifiers: ClinVar variation 4875157 (VCV004875157.2).

ClinVar aggregate classification (germline): Uncertain significance (1 of 4 stars; one submission).

Submission:

CeGaT Center for Human Genetics Tuebingen
Classification: Uncertain significance. Last evaluated: 2026-06-01. Review status: criteria provided, single submitter. Criteria: CeGaT Center For Human Genetics Tuebingen Variant Classification Criteria Version 2. Collection method: clinical testing. Allele origin: germline. Affected: yes. Observed: 1 variant allele.
Comment: ZEB2: PM2, BP1, BP4